The following is an entry in ClinVar:

NM_006035.4(CDC42BPB):c.175+5G>A

Gene: CDC42BPB (CDC42 binding protein kinase beta; minus strand). Cytogenetic location: 14q32.32.
Variant type: single nucleotide variant.
Coding change: c.175+5G>A on transcript NM_006035.4 (MANE Select); 5 bases into the intron after coding-DNA position 175, G replaced by A.
Molecular consequence: intron variant.
Genome position (GRCh38, 1-based): chr14:103,056,994, C>T on the plus strand (G>A on the coding strand, the complement: CDC42BPB is on the minus strand). VCF-style: chr14-103056994-C-T. GRCh37 (hg19) VCF-style: chr14-103523331-C-T.
Identifiers: ClinVar variation 2430363 (VCV002430363.2), dbSNP rs2503745416, ClinGen allele CA2580088439.
Genomic context (GRCh38, chr14:103,056,994, plus strand): 5'-GGATGCGCGGGCTGGGGCGCGGGGGTCGCAGAGCCGCAGGTCCGGCCCTGCCGGCGCGCA[C>T]TTACCCCACTCGAGGAACTCGGCCACGTACTTGTCGCGGCGCAGGGCCGAGTGGCTGCAC-3'

ClinVar aggregate classification (germline): Uncertain significance (1 of 4 stars; one submission).

Submission:

Centre of Medical Genetics, University Hospital Muenster
Classification: Uncertain significance. Last evaluated: 2023-02-03. Review status: criteria provided, single submitter. Criteria: ACMG Guidelines, 2015. Collection method: clinical testing. Allele origin: unknown. Affected: yes. Observed: 1 variant allele, 1 heterozygote.
Comment: ACMG categories: PM2